The following is an entry in ClinVar:

ClinVar aggregate classification (germline): Likely benign. Review status: criteria provided, single submitter (1 of 4 stars). 2 submissions from 2 submitters: Likely benign (1). 1 of the submissions does not count toward it. Last evaluated 2024-02-16.

Conditions:
TGM1-related disorder. Also called: TGM1-related condition.

Allele frequency attached by ClinVar (database versions not stated): gnomAD 0.00001; gnomAD exomes 0.00001 and 0.00004; TOPMed 0.00001; ExAC 0.00002; 1000 Genomes Project 30x 0.00016; 1000 Genomes Project 0.00020.
gnomAD v4.1: 56 of 1,614,070 alleles (0.0035%); highest among the groups gnomAD compares: Middle Eastern, 0.099%; no homozygotes.

Submissions (2):

Labcorp Genetics (formerly Invitae), Labcorp
Classification: Likely benign. Last evaluated: 2024-02-16. Review status: criteria provided, single submitter. Criteria: Invitae Variant Classification Sherloc (09022015). Collection method: clinical testing. Allele origin: germline.

PreventionGenetics, part of Exact Sciences
Classification: Likely benign for TGM1-related condition. Last evaluated: 2019-02-27. Review status: no assertion criteria provided. Collection method: clinical testing. Allele origin: germline. Not counted in ClinVar's aggregate classification.
Comment: This variant is classified as likely benign based on ACMG/AMP sequence variant interpretation guidelines (Richards et al. 2015 PMID: 25741868, with internal and published modifications).

NM_000359.3(TGM1):c.1041C>G (p.Ser347=)

Gene: TGM1 (transglutaminase 1; minus strand). Cytogenetic location: 14q12.
Variant type: single nucleotide variant.
Coding change: c.1041C>G on transcript NM_000359.3 (MANE Select); coding-DNA position 1041, C replaced by G.
Protein change: p.Ser347=; no amino-acid change (serine 347 retained).
Molecular consequence: synonymous variant.
Genome position (GRCh38, 1-based): chr14:24,259,193, G>C on the plus strand (C>G on the coding strand, the complement: TGM1 is on the minus strand). VCF-style: chr14-24259193-G-C. GRCh37 (hg19) VCF-style: chr14-24728399-G-C.
Other names: c.1041C>G (NM_000359.2).
Identifiers: ClinVar variation 1138382 (VCV001138382.10), dbSNP rs545348591, ClinGen allele CA7131207.